The following is an entry in ClinVar:

NM_006080.3(SEMA3A):c.92G>A (p.Arg31Lys)

Gene: SEMA3A (semaphorin 3A; minus strand). Cytogenetic location: 7q21.11.
Variant type: single nucleotide variant.
Coding change: c.92G>A on transcript NM_006080.3 (MANE Select); coding-DNA position 92, G replaced by A.
Protein change: p.Arg31Lys; replaces arginine 31 with lysine.
Molecular consequence: missense variant.
Genome position (GRCh38, 1-based): chr7:84,194,495, C>T on the plus strand (G>A on the coding strand, the complement: SEMA3A is on the minus strand). VCF-style: chr7-84194495-C-T. GRCh37 (hg19) VCF-style: chr7-83823811-C-T.
Other names: short protein forms R31K.
Identifiers: ClinVar variation 4978864 (VCV004978864.1).

ClinVar aggregate classification (germline): Uncertain significance (1 of 4 stars; one submission).

Conditions:
SEMA3A-related disorder. Also called: SEMA3A-related condition.

Submission:

PreventionGenetics, part of Exact Sciences
Classification: Uncertain significance for SEMA3A-related condition. Last evaluated: 2025-10-15. Review status: criteria provided, single submitter. Criteria: ACMG Guidelines, 2015. Collection method: clinical testing. Allele origin: germline.
Comment: The SEMA3A c.92G>A variant is predicted to result in the amino acid substitution p.Arg31Lys. To our knowledge, this variant has not been reported in the literature or in a large population database (gnomAD), indicating this variant is rare. At this time, the clinical significance of this variant is uncertain due to the absence of conclusive functional and genetic evidence.